The following is an entry in ClinVar:

NM_001735.3(C5):c.3059A>G (p.Tyr1020Cys)

Gene: C5 (complement C5; minus strand). Cytogenetic location: 9q33.2.
Variant type: single nucleotide variant.
Coding change: c.3059A>G on transcript NM_001735.3 (MANE Select); coding-DNA position 3059, A replaced by G.
Protein change: p.Tyr1020Cys; replaces tyrosine 1020 with cysteine.
Molecular consequence: missense variant.
Genome position (GRCh38, 1-based): chr9:120,989,663, T>C on the plus strand (A>G on the coding strand, the complement: C5 is on the minus strand). VCF-style: chr9-120989663-T-C. GRCh37 (hg19) VCF-style: chr9-123751941-T-C.
Other names: c.3077A>G, p.Tyr1026Cys (NM_001317163.2); short protein forms Y1020C, Y1026C.
Identifiers: ClinVar variation 1383276 (VCV001383276.4), dbSNP rs768907431, ClinGen allele CA5217582.

ClinVar aggregate classification (germline): Uncertain significance. Review status: criteria provided, multiple submitters, no conflicts (2 of 4 stars). 2 submissions from 2 submitters: Uncertain significance (2). Last evaluated 2022-04-18.

Conditions:
Complement component 5 deficiency. Also called: C5 DEFICIENCY. Identifiers: MedGen C0343047, MONDO:0012295, OMIM 609536.
Eculizumab, poor response to. Identifiers: MedGen C3810402, OMIM 615749.

Allele frequency attached by ClinVar (database versions not stated): gnomAD exomes 0.00002 and 0.00006; ExAC 0.00003; gnomAD 0.00011; TOPMed 0.00011.
gnomAD v4.1: 43 of 1,613,664 alleles (0.0027%); highest among the groups gnomAD compares: Admixed American, 0.025%; no homozygotes.

Submissions (2):

Labcorp Genetics (formerly Invitae), Labcorp
Classification: Uncertain significance. Last evaluated: 2022-04-18. Review status: criteria provided, single submitter. Criteria: Invitae Variant Classification Sherloc (09022015). Collection method: clinical testing. Allele origin: germline.
Comment: This sequence change replaces tyrosine, which is neutral and polar, with cysteine, which is neutral and slightly polar, at codon 1020 of the C5 protein (p.Tyr1020Cys). This variant is present in population databases (rs768907431, gnomAD 0.04%). This variant has not been reported in the literature in individuals affected with C5-related conditions. Algorithms developed to predict the effect of missense changes on protein structure and function are either unavailable or do not agree on the potential impact of this missense change (SIFT: "Deleterious"; PolyPhen-2: "Probably Damaging"; Align-GVGD: "Class C15"). In summary, the available evidence is currently insufficient to determine the role of this variant in disease. Therefore, it has been classified as a Variant of Uncertain Significance.

Fulgent Genetics
Classification: Uncertain significance for Complement component 5 deficiency; Eculizumab, poor response to. Last evaluated: 2021-11-06. Review status: criteria provided, single submitter. Criteria: ACMG Guidelines, 2015. Collection method: clinical testing. Allele origin: unknown.